The following is an entry in ClinVar:

NM_001365951.3(KIF1B):c.4977T>G (p.Ser1659Arg)

Gene: KIF1B (kinesin family member 1B; plus strand). Cytogenetic location: 1p36.22.
Variant type: single nucleotide variant.
Coding change: c.4977T>G on transcript NM_001365951.3 (MANE Select); coding-DNA position 4977, T replaced by G.
Protein change: p.Ser1659Arg; replaces serine 1659 with arginine.
Molecular consequence: missense variant.
Genome position (GRCh38, 1-based): chr1:10,374,346, T>G. VCF-style: chr1-10374346-T-G. GRCh37 (hg19) VCF-style: chr1-10434404-T-G.
Other names: c.4977T>G, p.Ser1659Arg (NM_001365952.1); c.4839T>G, p.Ser1613Arg (NM_015074.3); short protein forms S1613R, S1659R.
Identifiers: ClinVar variation 4858817 (VCV004858817.1).

ClinVar aggregate classification (germline): Uncertain significance (1 of 4 stars; one submission).

Submission:

Ambry Genetics
Classification: Uncertain significance. Last evaluated: 2026-03-24. Review status: criteria provided, single submitter. Criteria: Ambry Variant Classification Scheme 2023. Collection method: clinical testing. Allele origin: germline.
Comment: The p.S1613R variant (also known as c.4839T>G), located in coding exon 43 of the KIF1B gene, results from a T to G substitution at nucleotide position 4839. The serine at codon 1613 is replaced by arginine, an amino acid with dissimilar properties. This amino acid position is highly conserved in available vertebrate species. In addition, this alteration is predicted to be tolerated by in silico analysis. Based on the available evidence, the clinical significance of this variant remains unclear.